The following is an entry in ClinVar:

NM_000400.4(ERCC2):c.764C>T (p.Thr255Ile)

Gene: ERCC2 (ERCC excision repair 2, TFIIH core complex helicase subunit; minus strand). Cytogenetic location: 19q13.32.
Variant type: single nucleotide variant.
Coding change: c.764C>T on transcript NM_000400.4 (MANE Select); coding-DNA position 764, C replaced by T.
Protein change: p.Thr255Ile; replaces threonine 255 with isoleucine.
Molecular consequence: missense variant.
Genome position (GRCh38, 1-based): chr19:45,364,286, G>A on the plus strand (C>T on the coding strand, the complement: ERCC2 is on the minus strand). VCF-style: chr19-45364286-G-A. GRCh37 (hg19) VCF-style: chr19-45867544-G-A.
Other names: c.692C>T, p.Thr231Ile (NM_001130867.2); short protein forms T255I, T231I.
Identifiers: ClinVar variation 1759972 (VCV001759972.2), dbSNP rs1203734080, ClinGen allele CA406374155.

ClinVar aggregate classification (germline): Uncertain significance (1 of 4 stars; one submission).

Conditions:
Inborn genetic diseases. Identifiers: MedGen C0950123, MeSH D030342.

gnomAD v4.1: 1 of 1,614,026 alleles (0.000062%); highest among the groups gnomAD compares: Non-Finnish European, 0.000085%; no homozygotes.

Submission:

Ambry Genetics
Classification: Uncertain significance for Inborn genetic diseases. Last evaluated: 2022-06-01. Review status: criteria provided, single submitter. Criteria: Ambry Variant Classification Scheme 2023. Collection method: clinical testing. Allele origin: germline.
Comment: The p.T255I variant (also known as c.764C>T), located in coding exon 9 of the ERCC2 gene, results from a C to T substitution at nucleotide position 764. The threonine at codon 255 is replaced by isoleucine, an amino acid with similar properties. This amino acid position is conserved. In addition, the in silico prediction for this alteration is inconclusive. Since supporting evidence is limited at this time, the clinical significance of this alteration remains unclear.